The following is an entry in ClinVar:

NM_001018115.3(FANCD2):c.251G>A (p.Arg84Lys)

Genes: FANCD2 (FA complementation group D2; plus strand), LOC107303338 (3p25 FANCD2 Alu-mediated recombination region; plus strand). Cytogenetic location: 3p25.3.
Variant type: single nucleotide variant.
Coding change: c.251G>A on transcript NM_001018115.3 (MANE Select); coding-DNA position 251, G replaced by A.
Protein change: p.Arg84Lys; replaces arginine 84 with lysine.
Molecular consequence: missense variant.
Genome position (GRCh38, 1-based): chr3:10,034,514, G>A. VCF-style: chr3-10034514-G-A. GRCh37 (hg19) VCF-style: chr3-10076198-G-A.
Other names: c.251G>A, p.Arg84Lys (NM_001319984.2, NM_001374253.1, NM_001374254.1 and 2 more transcripts); short protein forms R84K.
Identifiers: ClinVar variation 1424575 (VCV001424575.3), dbSNP rs375506300, ClinGen allele CA2249155.

ClinVar aggregate classification (germline): Uncertain significance (1 of 4 stars; one submission).

Conditions:
Fanconi anemia (FA). Also called: Fanconi's anemia. Identifiers: Orphanet 84, MedGen C0015625, MeSH D005199, MONDO:0019391.

Allele frequency attached by ClinVar (database versions not stated): TOPMed below 0.00001; ExAC 0.00001; gnomAD 0.00001; gnomAD exomes 0.00001; ESP Exome Variant Server 0.00008.
gnomAD v4.1: 7 of 1,612,450 alleles (0.00043%); highest among the groups gnomAD compares: Non-Finnish European, 0.00059%; no homozygotes.

Submission:

Labcorp Genetics (formerly Invitae), Labcorp
Classification: Uncertain significance for Fanconi anemia. Last evaluated: 2021-12-11. Review status: criteria provided, single submitter. Criteria: Invitae Variant Classification Sherloc (09022015). Collection method: clinical testing. Allele origin: germline.
Comment: This sequence change replaces arginine, which is basic and polar, with lysine, which is basic and polar, at codon 84 of the FANCD2 protein (p.Arg84Lys). This variant is present in population databases (rs375506300, gnomAD 0.0009%). This variant has not been reported in the literature in individuals affected with FANCD2-related conditions. Algorithms developed to predict the effect of missense changes on protein structure and function output the following: SIFT: "Tolerated"; PolyPhen-2: "Benign"; Align-GVGD: "Class C0". The lysine amino acid residue is found in multiple mammalian species, which suggests that this missense change does not adversely affect protein function. In summary, the available evidence is currently insufficient to determine the role of this variant in disease. Therefore, it has been classified as a Variant of Uncertain Significance.